The following is an entry in ClinVar:

NM_000152.5(GAA):c.502C>T (p.Arg168Trp)

Gene: GAA (alpha glucosidase; plus strand). Cytogenetic location: 17q25.3.
Variant type: single nucleotide variant.
Coding change: c.502C>T on transcript NM_000152.5 (MANE Select); coding-DNA position 502, C replaced by T.
Protein change: p.Arg168Trp; replaces arginine 168 with tryptophan.
Molecular consequence: missense variant.
Genome position (GRCh38, 1-based): chr17:80,105,088, C>T. VCF-style: chr17-80105088-C-T. GRCh37 (hg19) VCF-style: chr17-78078887-C-T.
Other names: c.502C>T, p.Arg168Trp (NM_001079803.3, NM_001079804.3); short protein forms R168W.
Identifiers: ClinVar variation 842132 (VCV000842132.16), dbSNP rs777473001, ClinGen allele CA8814882.

ClinVar aggregate classification (germline): Uncertain significance. Review status: criteria provided, multiple submitters, no conflicts (2 of 4 stars). 7 submissions from 7 submitters: Uncertain significance (6). 1 of the submissions does not count toward it. Last evaluated 2026-07-01.

Conditions:
Glycogen storage disease, type II (IOPD). Also called: Glycogen storage disease type 2; Acid maltase deficiency disease; Aglucosidase alfa; Deficiency of alpha-glucosidase; Deficiency of lysosomal alpha-glucosidase; POMPE DISEASE, INFANTILE-ONSET. Identifiers: Orphanet 365, MedGen C0017921, MONDO:0009290, OMIM 232300.

Allele frequency attached by ClinVar (database versions not stated): TOPMed 0.00002; gnomAD 0.00003 and 0.00004.
gnomAD v4.1: 11 of 1,611,980 alleles (0.00068%); highest among the groups gnomAD compares: African/African-American, 0.008%; no homozygotes.

Submissions (7):

Genomenon, Inc
Classification: Uncertain significance for Glycogen storage disease, type II. Last evaluated: 2026-07-01. Review status: criteria provided, single submitter. Criteria: Genomenon Sequence Variant Interpretation Standards - Updated. Collection method: curation. Allele origin: germline. Affected: no.
Comment: GAA p.Arg168Trp (c.502C>T) is a missense variant that changes the amino acid at codon 168 from Arginine to Tryptophan. This variant has been reported in the published literature (PMID:30155607;33560568). It is absent or not present at a significant frequency in gnomAD. In silico models predict that this variant is not damaging. In conclusion, we classify GAA p.Arg168Trp (c.502C>T) as a variant of uncertain significance.

Labcorp Genetics (formerly Invitae), Labcorp
Classification: Uncertain significance for Glycogen storage disease, type II. Last evaluated: 2024-07-15. Review status: criteria provided, single submitter. Criteria: Invitae Variant Classification Sherloc (09022015). Collection method: clinical testing. Allele origin: germline.
Comment: This sequence change replaces arginine, which is basic and polar, with tryptophan, which is neutral and slightly polar, at codon 168 of the GAA protein (p.Arg168Trp). This variant is present in population databases (rs777473001, gnomAD 0.004%). This missense change has been observed in individual(s) with Pompe disease (PMID: 30155607). ClinVar contains an entry for this variant (Variation ID: 842132). Advanced modeling of protein sequence and biophysical properties (such as structural, functional, and spatial information, amino acid conservation, physicochemical variation, residue mobility, and thermodynamic stability) has been performed at Invitae for this missense variant, however the output from this modeling did not meet the statistical confidence thresholds required to predict the impact of this variant on GAA protein function. This variant disrupts the p.Arg168 amino acid residue in GAA. Other variant(s) that disrupt this residue have been determined to be pathogenic (PMID: 21488292, 24169249, 25526786, 31076647). This suggests that this residue is clinically significant, and that variants that disrupt this residue are likely to be disease-causing. In summary, the available evidence is currently insufficient to determine the role of this variant in disease. Therefore, it has been classified as a Variant of Uncertain Significance.

Fulgent Genetics
Classification: Uncertain significance for Glycogen storage disease, type II. Last evaluated: 2021-12-10. Review status: criteria provided, single submitter. Criteria: ACMG Guidelines, 2015. Collection method: clinical testing. Allele origin: unknown.

Genome-Nilou Lab
Classification: Uncertain significance for Glycogen storage disease, type II. Last evaluated: 2021-09-05. Review status: criteria provided, single submitter. Criteria: ACMG Guidelines, 2015. Collection method: clinical testing. Allele origin: germline. Affected: no.

Revvity Omics, Revvity
Classification: Uncertain significance. Last evaluated: 2021-03-04. Review status: criteria provided, single submitter. Criteria: ACMG Guidelines, 2015. Collection method: clinical testing. Allele origin: germline.

GeneDx
Classification: Uncertain significance. Last evaluated: 2020-05-20. Review status: criteria provided, single submitter. Criteria: GeneDx Variant Classification Process June 2021. Collection method: clinical testing. Allele origin: germline. Affected: yes.
Comment: Not observed at a significant frequency in large population cohorts (Lek et al., 2016); In silico analysis supports that this missense variant has a deleterious effect on protein structure/function; This variant is associated with the following publications: (PMID: 30155607)

Natera, Inc.
Classification: Uncertain significance for Glycogen storage disease type II. Last evaluated: 2020-12-14. Review status: no assertion criteria provided. Collection method: clinical testing. Allele origin: germline. Not counted in ClinVar's aggregate classification.

Literature cited by the submitters: PubMed 30155607 (cited by Genomenon, Inc and Labcorp Genetics (formerly Invitae), Labcorp); PubMed 33560568 (cited by Genomenon, Inc); PubMed 21488292 (cited by Labcorp Genetics (formerly Invitae), Labcorp); PubMed 24169249 (cited by Labcorp Genetics (formerly Invitae), Labcorp); PubMed 25526786 (cited by Labcorp Genetics (formerly Invitae), Labcorp); PubMed 31076647 (cited by Labcorp Genetics (formerly Invitae), Labcorp).